The following is an entry in ClinVar:

ClinVar aggregate classification (germline): Uncertain significance. Review status: criteria provided, multiple submitters, no conflicts (2 of 4 stars). 2 submissions from 2 submitters: Uncertain significance (2). Last evaluated 2025-01-17.

Conditions:
Inborn genetic diseases. Identifiers: MedGen C0950123, MeSH D030342.
Baller-Gerold syndrome (BGS). Also called: CRANIOSYNOSTOSIS WITH RADIAL DEFECTS. Identifiers: Orphanet 1225, MedGen C0265308, MONDO:0009039, OMIM 218600.

Allele frequency attached by ClinVar (database versions not stated): gnomAD exomes below 0.00001.
gnomAD v4.1: 2 of 1,612,862 alleles (0.00012%); highest among the groups gnomAD compares: Non-Finnish European, 0.00017%; no homozygotes.

Submissions (2):

Ambry Genetics
Classification: Uncertain significance for Inborn genetic diseases. Last evaluated: 2025-01-17. Review status: criteria provided, single submitter. Criteria: Ambry Variant Classification Scheme 2023. Collection method: clinical testing. Allele origin: germline.
Comment: The p.T396A variant (also known as c.1186A>G), located in coding exon 6 of the RECQL4 gene, results from an A to G substitution at nucleotide position 1186. The threonine at codon 396 is replaced by alanine, an amino acid with similar properties. This amino acid position is conserved. In addition, this alteration is predicted to be tolerated by in silico analysis. Based on the available evidence, the clinical significance of this variant remains unclear.

Labcorp Genetics (formerly Invitae), Labcorp
Classification: Uncertain significance for Baller-Gerold syndrome. Last evaluated: 2021-08-10. Review status: criteria provided, single submitter. Criteria: Invitae Variant Classification Sherloc (09022015). Collection method: clinical testing. Allele origin: germline.
Comment: This sequence change replaces threonine with alanine at codon 396 of the RECQL4 protein (p.Thr396Ala). The threonine residue is weakly conserved and there is a small physicochemical difference between threonine and alanine. This variant is not present in population databases (ExAC no frequency). This variant has not been reported in the literature in individuals affected with RECQL4-related conditions. Experimental studies and prediction algorithms are not available or were not evaluated, and the functional significance of this variant is currently unknown. In summary, the available evidence is currently insufficient to determine the role of this variant in disease. Therefore, it has been classified as a Variant of Uncertain Significance.

NM_004260.4(RECQL4):c.1186A>G (p.Thr396Ala)

Gene: RECQL4 (RecQ like helicase 4; minus strand). Cytogenetic location: 8q24.3.
Variant type: single nucleotide variant.
Coding change: c.1186A>G on transcript NM_004260.4 (MANE Select); coding-DNA position 1186, A replaced by G.
Protein change: p.Thr396Ala; replaces threonine 396 with alanine.
Molecular consequence: missense variant.
Genome position (GRCh38, 1-based): chr8:144,515,836, T>C on the plus strand (A>G on the coding strand, the complement: RECQL4 is on the minus strand). VCF-style: chr8-144515836-T-C. GRCh37 (hg19) VCF-style: chr8-145741220-T-C.
Other names: c.1186A>G (NM_004260.3); short protein forms T396A.
Identifiers: ClinVar variation 1435692 (VCV001435692.7), dbSNP rs2130713097, ClinGen allele CA372687627.